The following is an entry in ClinVar:

NM_032043.3(BRIP1):c.93+1G>A

Gene: BRIP1 (BRCA1 interacting DNA helicase 1; minus strand). Cytogenetic location: 17q23.2.
Variant type: single nucleotide variant.
Coding change: c.93+1G>A on transcript NM_032043.3 (MANE Select); the canonical splice donor site of the intron after coding-DNA position 93, G replaced by A.
Molecular consequence: splice donor variant.
Genome position (GRCh38, 1-based): chr17:61,861,446, C>T on the plus strand (G>A on the coding strand, the complement: BRIP1 is on the minus strand). VCF-style: chr17-61861446-C-T. GRCh37 (hg19) VCF-style: chr17-59938807-C-T.
Identifiers: ClinVar variation 461051 (VCV000461051.15), dbSNP rs587782047, ClinGen allele CA400485892.

ClinVar aggregate classification (germline): Likely pathogenic. Review status: criteria provided, multiple submitters, no conflicts (2 of 4 stars). 4 submissions from 4 submitters: Likely pathogenic (3). 1 of the submissions does not count toward it. Last evaluated 2023-05-30.

Conditions:
Hereditary cancer-predisposing syndrome. Also called: Hereditary neoplastic syndrome; Neoplastic Syndromes, Hereditary; Tumor predisposition; Hereditary Cancer Syndrome. Identifiers: Orphanet 140162, MedGen C0027672, MeSH D009386, MONDO:0015356.
Fanconi anemia complementation group J. Also called: BRIP1-Related Fanconi Anemia. Identifiers: Orphanet 84, MedGen C1836860, MONDO:0012187, OMIM 609054.
Familial cancer of breast. Also called: BREAST CANCER, FAMILIAL; hereditary breast carcinoma; Hereditary breast cancer. Identifiers: Orphanet 227535, MedGen C0346153, MONDO:0016419, OMIM 114480. Disease mechanism: loss of function.

Submissions (4):

Myriad Genetics, Inc.
Classification: Likely pathogenic for Familial cancer of breast. Last evaluated: 2023-05-30. Review status: criteria provided, single submitter. Criteria: Myriad Autosomal Dominant, Autosomal Recessive and X-Linked Classification Criteria (2023). Collection method: clinical testing. Allele origin: unknown.
Comment: This variant is considered likely pathogenic. This variant occurs within a consensus splice junction and is predicted to result in abnormal mRNA splicing of either an out-of-frame exon or an in-frame exon necessary for protein stability and/or normal function.

Ambry Genetics
Classification: Likely pathogenic for Hereditary cancer-predisposing syndrome. Last evaluated: 2022-06-21. Review status: criteria provided, single submitter. Criteria: Ambry Variant Classification Scheme 2023. Collection method: clinical testing. Allele origin: germline.
Comment: The c.93+1G>A intronic variant results from a G to A substitution one nucleotide after coding exon 1 of the BRIP1 gene. This nucleotide position is highly conserved in available vertebrate species. In silico splice site analysis predicts that this alteration will weaken the native splice donor site. RNA analysis has shown to cause aberrant splicing in patient-derived lymphoblast cells (Casadei S et al. Proc Natl Acad Sci U S A, 2019 Dec;:). Alterations that disrupt the canonical splice site are expected to cause aberrant splicing, resulting in an abnormal protein or a transcript that is subject to nonsense-mediated mRNA decay. As such, this alteration is classified as likely pathogenic.

Labcorp Genetics (formerly Invitae), Labcorp
Classification: Likely pathogenic for Familial cancer of breast; Fanconi anemia complementation group J. Last evaluated: 2017-09-02. Review status: criteria provided, single submitter. Criteria: Invitae Variant Classification Sherloc (09022015). Collection method: clinical testing. Allele origin: germline.
Comment: This sequence change affects a donor splice site in intron 2 of the BRIP1 gene. It is expected to disrupt RNA splicing and likely results in an absent or disrupted protein product. This variant is not present in population databases (ExAC no frequency) and has not been reported in the literature in individuals with a BRIP1-related disease. In summary, donor and acceptor splice site variants are typically loss-of-function (PMID: 16199547), and loss-of-function variants in BRIP1 are known to be pathogenic (PMID: 16116423, 17033622, 21964575). However, without additional functional and/or genetic data, this variant has been classified as Likely Pathogenic.

King Laboratory, University of Washington
Classification: Pathogenic for Familial cancer of breast. Last evaluated: 2019-09-01. Review status: no assertion criteria provided. Collection method: research. Allele origin: germline. Affected: yes. Not counted in ClinVar's aggregate classification.
Comment: Transcript analysis by cBROCA

Literature cited by the submitters: PubMed 31843900 (cited by Ambry Genetics and King Laboratory, University of Washington); PubMed 16199547 (cited by Labcorp Genetics (formerly Invitae), Labcorp); PubMed 16116423 (cited by Labcorp Genetics (formerly Invitae), Labcorp); PubMed 17033622 (cited by Labcorp Genetics (formerly Invitae), Labcorp); PubMed 21964575 (cited by Labcorp Genetics (formerly Invitae), Labcorp).